The following is an entry in ClinVar:

NM_001040108.2(MLH3):c.4003C>A (p.Gln1335Lys)

Gene: MLH3 (mutL homolog 3; minus strand). Cytogenetic location: 14q24.3.
Variant type: single nucleotide variant.
Coding change: c.4003C>A on transcript NM_001040108.2 (MANE Select); coding-DNA position 4003, C replaced by A.
Protein change: p.Gln1335Lys; replaces glutamine 1335 with lysine.
Molecular consequence: missense variant.
Genome position (GRCh38, 1-based): chr14:75,023,003, G>T on the plus strand (C>A on the coding strand, the complement: MLH3 is on the minus strand). VCF-style: chr14-75023003-G-T. GRCh37 (hg19) VCF-style: chr14-75489706-G-T.
Other names: c.3931C>A, p.Gln1311Lys (NM_014381.3); short protein forms Q1311K, Q1335K.
Identifiers: ClinVar variation 1736953 (VCV001736953.2), dbSNP rs2503070647, ClinGen allele CA390421739.

ClinVar aggregate classification (germline): Uncertain significance (1 of 4 stars; one submission).

Submission:

Ambry Genetics
Classification: Uncertain significance. Last evaluated: 2021-12-11. Review status: criteria provided, single submitter. Criteria: Ambry Variant Classification Scheme 2023. Collection method: clinical testing. Allele origin: germline.
Comment: The p.Q1335K variant (also known as c.4003C>A), located in coding exon 9 of the MLH3 gene, results from a C to A substitution at nucleotide position 4003. The glutamine at codon 1335 is replaced by lysine, an amino acid with similar properties. This amino acid position is conserved. In addition, the in silico prediction for this alteration is inconclusive. Since supporting evidence is limited at this time, the clinical significance of this alteration remains unclear.